The following is an entry in ClinVar:

NM_001005361.3(DNM2):c.1218C>T (p.Asp406=)

Gene: DNM2 (dynamin 2; plus strand). Cytogenetic location: 19p13.2.
Variant type: single nucleotide variant.
Coding change: c.1218C>T on transcript NM_001005361.3 (MANE Select); coding-DNA position 1218, C replaced by T.
Protein change: p.Asp406=; no amino-acid change (aspartic acid 406 retained).
Molecular consequence: synonymous variant. On other transcripts: intron variant (3).
Genome position (GRCh38, 1-based): chr19:10,797,401, C>T. VCF-style: chr19-10797401-C-T. GRCh37 (hg19) VCF-style: chr19-10908077-C-T.
Other names: c.1218C>T, p.Asp406= (NM_001005362.3); c.1336-1085C>T (NM_001005360.3, NM_001190716.2, NM_004945.4).
Identifiers: ClinVar variation 382721 (VCV000382721.50), dbSNP rs147668465, ClinGen allele CA9201073.

ClinVar aggregate classification (germline): Benign/Likely benign. Review status: criteria provided, multiple submitters, no conflicts (2 of 4 stars). 7 submissions from 7 submitters: Benign (3); Likely benign (2). 2 of the submissions do not count toward it. Last evaluated 2026-09-01.

Allele frequency attached by ClinVar (database versions not stated): gnomAD 0.00116 and 0.00144; TOPMed 0.00125; ESP Exome Variant Server 0.00146; gnomAD exomes 0.00190 and 0.00201; ExAC 0.00197; 1000 Genomes Project 0.00260; 1000 Genomes Project 30x 0.00265.
gnomAD v4.1: 3,156 of 1,613,356 alleles (0.2%); highest among the groups gnomAD compares: South Asian, 0.72%; 16 homozygotes.

Submissions (7):

CeGaT Center for Human Genetics Tuebingen
Classification: Likely benign. Last evaluated: 2026-09-01. Review status: criteria provided, single submitter. Criteria: CeGaT Center For Human Genetics Tuebingen Variant Classification Criteria Version 2. Collection method: clinical testing. Allele origin: germline. Affected: yes. Observed: 17 variant alleles.
Comment: DNM2: BP4, BS2

ARUP Laboratories, Molecular Genetics and Genomics, ARUP Laboratories
Classification: Benign. Last evaluated: 2025-01-31. Review status: criteria provided, single submitter. Criteria: ARUP Molecular Germline Variant Investigation Process 2024. Collection method: clinical testing. Allele origin: germline.

Blueprint Genetics
Classification: Likely benign. Last evaluated: 2024-11-11. Review status: criteria provided, single submitter. Criteria: ACMG Guidelines, 2015. Collection method: clinical testing. Allele origin: germline.

Laboratory for Molecular Medicine, Mass General Brigham Personalized Medicine
Classification: Benign. Last evaluated: 2016-08-22. Review status: criteria provided, single submitter. Criteria: LMM Criteria. Collection method: clinical testing. Allele origin: germline. Observed: 1 variant allele.
Comment: p. Asp406Asp in exon 10B of DNM2: This variant is not expected to have clinical significance because it does not alter an amino acid residue and is not located within the splice consensus sequence. It has been identified in 0.6% (106/16350) of South Asian chromosomes, including 1 homozygote by the Exome Aggregation Con sortium (ExAC; dbSNP rs147668465).

GeneDx
Classification: Benign. Last evaluated: 2016-01-30. Review status: criteria provided, single submitter. Criteria: GeneDx Variant Classification (06012015). Collection method: clinical testing. Allele origin: germline. Affected: yes.
Comment: This variant is considered likely benign or benign based on one or more of the following criteria: it is a conservative change, it occurs at a poorly conserved position in the protein, it is predicted to be benign by multiple in silico algorithms, and/or has population frequency not consistent with disease.

Clinical Genetics, Academic Medical Center
Classification: Likely benign. Review status: no assertion criteria provided. Collection method: clinical testing. Allele origin: germline. Affected: yes. Study: VKGL Data-share Consensus. Not counted in ClinVar's aggregate classification.

Genome Diagnostics Laboratory, University Medical Center Utrecht
Classification: Likely benign. Review status: no assertion criteria provided. Collection method: clinical testing. Allele origin: germline. Affected: yes. Study: VKGL Data-share Consensus. Not counted in ClinVar's aggregate classification.